The following is an entry in ClinVar:

NM_003849.4(SUCLG1):c.461G>A (p.Arg154Gln)

Gene: SUCLG1 (succinate-CoA ligase GDP/ADP-forming subunit alpha; minus strand). Cytogenetic location: 2p11.2.
Variant type: single nucleotide variant.
Coding change: c.461G>A on transcript NM_003849.4 (MANE Select); coding-DNA position 461, G replaced by A.
Protein change: p.Arg154Gln; replaces arginine 154 with glutamine.
Molecular consequence: missense variant.
Genome position (GRCh38, 1-based): chr2:84,441,317, C>T on the plus strand (G>A on the coding strand, the complement: SUCLG1 is on the minus strand). VCF-style: chr2-84441317-C-T. GRCh37 (hg19) VCF-style: chr2-84668441-C-T.
Other names: short protein forms R154Q.
Identifiers: ClinVar variation 1941577 (VCV001941577.2), dbSNP rs933451922, ClinGen allele CA52255012.

ClinVar aggregate classification (germline): Uncertain significance (1 of 4 stars; one submission).

Conditions:
Mitochondrial DNA depletion syndrome 9 (MTDPS9). Also called: SUCLG1-Related Mitochondrial DNA Depletion Syndrome, Encephalomyopathic Form with Methylmalonic Aciduria. Identifiers: Orphanet 17, MedGen C3151476, MONDO:0009504, OMIM 245400.

gnomAD v4.1: 2 of 1,614,048 alleles (0.00012%); highest among the groups gnomAD compares: Non-Finnish European, 0.000085%; no homozygotes.

Submission:

Labcorp Genetics (formerly Invitae), Labcorp
Classification: Uncertain significance for Mitochondrial DNA depletion syndrome 9. Last evaluated: 2022-06-24. Review status: criteria provided, single submitter. Criteria: Invitae Variant Classification Sherloc (09022015). Collection method: clinical testing. Allele origin: germline.
Comment: This sequence change replaces arginine, which is basic and polar, with glutamine, which is neutral and polar, at codon 154 of the SUCLG1 protein (p.Arg154Gln). This variant is not present in population databases (gnomAD no frequency). This variant has not been reported in the literature in individuals affected with SUCLG1-related conditions. Algorithms developed to predict the effect of missense changes on protein structure and function (SIFT, PolyPhen-2, Align-GVGD) all suggest that this variant is likely to be tolerated. In summary, the available evidence is currently insufficient to determine the role of this variant in disease. Therefore, it has been classified as a Variant of Uncertain Significance.